The following is an entry in ClinVar:

NM_004656.4(BAP1):c.1699G>A (p.Asp567Asn)

Gene: BAP1 (BRCA1 associated deubiquitinase 1; minus strand). Cytogenetic location: 3p21.1.
Variant type: single nucleotide variant.
Coding change: c.1699G>A on transcript NM_004656.4 (MANE Select); coding-DNA position 1699, G replaced by A.
Protein change: p.Asp567Asn; replaces aspartic acid 567 with asparagine.
Molecular consequence: missense variant.
Genome position (GRCh38, 1-based): chr3:52,403,446, C>T on the plus strand (G>A on the coding strand, the complement: BAP1 is on the minus strand). VCF-style: chr3-52403446-C-T. GRCh37 (hg19) VCF-style: chr3-52437462-C-T.
Other names: c.1699G>A (NM_004656.2); short protein forms D567N.
Identifiers: ClinVar variation 926845 (VCV000926845.4), dbSNP rs1705036927, ClinGen allele CA353099735.
Genomic context (GRCh38, chr3:52,403,446, plus strand): 5'-AAGTGGCCAGTGAGCCAGTCCAAGGCCCACCTGTCAGCGCCAGGGGACTCAGCACCCCAT[C>T]CTCAGCCAGGTGCAGCAGGCCTGTGCTGATGACAGGACCCAGATCACGGACAGCACGGTT-3'
Protein context (NP_004647.1, residues 557-577): ISTGLLHLAE[Asp567Asn]GVLSPLALTE

ClinVar aggregate classification (germline): Uncertain significance. Review status: criteria provided, multiple submitters, no conflicts (2 of 4 stars). 3 submissions from 3 submitters: Uncertain significance (3). Last evaluated 2025-11-09.

Conditions:
Hereditary cancer-predisposing syndrome. Also called: Neoplastic Syndromes, Hereditary; Tumor predisposition; Hereditary Cancer Syndrome; Hereditary neoplastic syndrome. Identifiers: Orphanet 140162, MedGen C0027672, MeSH D009386, MONDO:0015356.
BAP1-related tumor predisposition syndrome (TPDS1). Also called: Tumor susceptibility linked to germline BAP1 mutations; COMMON Syndrome; TUMOR PREDISPOSITION SYNDROME 1; BAP1 tumor predisposition syndrome. Identifiers: Orphanet 289539, MedGen C3280492, MONDO:0013692, OMIM 614327.

Allele frequency attached by ClinVar (database versions not stated): gnomAD exomes below 0.00001.
gnomAD v4.1: 1 of 1,613,918 alleles (0.000062%); highest among the groups gnomAD compares: Non-Finnish European, 0.000085%; no homozygotes.

Submissions (3):

Labcorp Genetics (formerly Invitae), Labcorp
Classification: Uncertain significance for BAP1-related tumor predisposition syndrome. Last evaluated: 2025-11-09. Review status: criteria provided, single submitter. Criteria: Invitae Variant Classification Sherloc (09022015). Collection method: clinical testing. Allele origin: germline.
Comment: This sequence change replaces aspartic acid, which is acidic and polar, with asparagine, which is neutral and polar, at codon 567 of the BAP1 protein (p.Asp567Asn). This variant is not present in population databases (gnomAD no frequency). This variant has not been reported in the literature in individuals affected with BAP1-related conditions. ClinVar contains an entry for this variant (Variation ID: 926845). Invitae Evidence Modeling of protein sequence and biophysical properties (such as structural, functional, and spatial information, amino acid conservation, physicochemical variation, residue mobility, and thermodynamic stability) indicates that this missense variant is not expected to disrupt BAP1 protein function with a negative predictive value of 80%. In summary, the available evidence is currently insufficient to determine the role of this variant in disease. Therefore, it has been classified as a Variant of Uncertain Significance.

Ambry Genetics
Classification: Uncertain significance for Hereditary cancer-predisposing syndrome. Last evaluated: 2025-03-25. Review status: criteria provided, single submitter. Criteria: Ambry Variant Classification Scheme 2023. Collection method: clinical testing. Allele origin: germline.
Comment: The p.D567N variant (also known as c.1699G>A), located in coding exon 13 of the BAP1 gene, results from a G to A substitution at nucleotide position 1699. The aspartic acid at codon 567 is replaced by asparagine, an amino acid with highly similar properties. This amino acid position is conserved. In addition, this alteration is predicted to be tolerated by in silico analysis. Based on the available evidence, the clinical significance of this variant remains unclear.

Color Diagnostics, LLC DBA Color Health
Classification: Uncertain significance for Hereditary cancer-predisposing syndrome. Last evaluated: 2019-06-28. Review status: criteria provided, single submitter. Criteria: ACMG Guidelines, 2015. Collection method: clinical testing. Allele origin: germline.